The following is an entry in ClinVar:

NM_001352913.2(PPP2R5C):c.1654T>C (p.Ser552Pro)

Gene: PPP2R5C (protein phosphatase 2 regulatory subunit B'gamma; plus strand). Cytogenetic location: 14q32.31.
Variant type: single nucleotide variant.
Coding change: c.1654T>C on transcript NM_001352913.2 (MANE Select); coding-DNA position 1654, T replaced by C.
Protein change: p.Ser552Pro; replaces serine 552 with proline.
Molecular consequence: missense variant.
Genome position (GRCh38, 1-based): chr14:101,925,186, T>C. VCF-style: chr14-101925186-T-C. GRCh37 (hg19) VCF-style: chr14-102391523-T-C.
Other names: c.1582T>C, p.Ser528Pro (NM_001161725.2); c.1537T>C, p.Ser513Pro (NM_001161726.2); c.1372T>C, p.Ser458Pro (NM_001352912.1, NM_178586.3); c.1552T>C, p.Ser518Pro (NM_001352914.2); c.1264T>C, p.Ser422Pro (NM_001352915.2); c.1147T>C, p.Ser383Pro (NM_001352916.2); c.1489T>C, p.Ser497Pro (NM_002719.4); short protein forms S513P, S383P, S552P, S458P, S528P, S422P, S497P, S518P.
Identifiers: ClinVar variation 5008123 (VCV005008123.1).

ClinVar aggregate classification (germline): Uncertain significance (1 of 4 stars; one submission).

Submission:

GeneDx
Classification: Uncertain significance. Last evaluated: 2026-02-26. Review status: criteria provided, single submitter. Criteria: GeneDx Variant Classification Process June 2021. Collection method: clinical testing. Allele origin: germline.
Comment: Not observed at significant frequency in large population cohorts (gnomAD); In silico analysis supports that this missense variant has a deleterious effect on protein structure/function; Has not been previously published as pathogenic or benign to our knowledge